The following is an entry in ClinVar:

NM_020436.5(SALL4):c.3098C>T (p.Thr1033Ile)

Gene: SALL4 (spalt like transcription factor 4; minus strand). Cytogenetic location: 20q13.2.
Variant type: single nucleotide variant.
Coding change: c.3098C>T on transcript NM_020436.5 (MANE Select); coding-DNA position 3098, C replaced by T.
Protein change: p.Thr1033Ile; replaces threonine 1033 with isoleucine.
Molecular consequence: missense variant.
Genome position (GRCh38, 1-based): chr20:51,784,329, G>A on the plus strand (C>T on the coding strand, the complement: SALL4 is on the minus strand). VCF-style: chr20-51784329-G-A. GRCh37 (hg19) VCF-style: chr20-50400868-G-A.
Other names: c.1787C>T, p.Thr596Ile (NM_001318031.2); c.3098C>T (NM_020436.4); short protein forms T1033I, T596I.
Identifiers: ClinVar variation 2407371 (VCV002407371.6), dbSNP rs1043409806, ClinGen allele CA315365687.
Genomic context (GRCh38, chr20:51,784,329, plus strand): 5'-CTGACCGCAATCTTGTTTTCTTCCAGGAAGTGAGGAAACTGGTGTTTGGGAACGCCGTCA[G>A]TAGCACTTGGTTTTTCCACATCTGCACTGATACCCGACTGGGAGCCATCCATCTTGGAGA-3'
Protein context (NP_065169.1, residues 1023-1043): ISADVEKPSA[Thr1033Ile]DGVPKHQFPH

ClinVar aggregate classification (germline): Uncertain significance. Review status: criteria provided, multiple submitters, no conflicts (2 of 4 stars). 3 submissions from 3 submitters: Uncertain significance (2). 1 of the submissions does not count toward it. Last evaluated 2025-03-07.

Conditions:
Oculootoradial syndrome (IVIC). Also called: RADIAL RAY DEFECTS, HEARING IMPAIRMENT, EXTERNAL OPHTHALMOPLEGIA, AND THROMBOCYTOPENIA; IVIC syndrome. Identifiers: Orphanet 2307, MedGen C1327918, MONDO:0007836, OMIM 147750.
Duane-radial ray syndrome (DRRS). Also called: Duane-Radial Ray Syndrome/Okihiro Syndrome; Duane-Radial Ray Syndrome (DRRS) / Okihiro Syndrome; ACRORENOOCULAR SYNDROME; DR SYNDROME; DUANE ANOMALY WITH RADIAL RAY ABNORMALITIES AND DEAFNESS; Okihiro Syndrome. Identifiers: Orphanet 93293, Orphanet 959, MedGen C1623209, MONDO:0011812, OMIM 607323. Disease mechanism: gain of function.
Inborn genetic diseases. Identifiers: MedGen C0950123, MeSH D030342.
SALL4-Related Disorders. Also called: SALL4-related disorder; SALL4-related condition. Identifiers: MedGen CN381056.

Allele frequency attached by ClinVar (database versions not stated): gnomAD exomes below 0.00001; gnomAD 0.00005; TOPMed 0.00009.
gnomAD v4.1: 12 of 1,614,080 alleles (0.00074%); highest among the groups gnomAD compares: Admixed American, 0.013%; no homozygotes.

Submissions (3):

Ambry Genetics
Classification: Uncertain significance for Inborn genetic diseases. Last evaluated: 2025-03-07. Review status: criteria provided, single submitter. Criteria: Ambry Variant Classification Scheme 2023. Collection method: clinical testing. Allele origin: germline.

Fulgent Genetics
Classification: Uncertain significance for Oculootoradial syndrome; Duane-radial ray syndrome. Last evaluated: 2024-04-21. Review status: criteria provided, single submitter. Criteria: ACMG Guidelines, 2015. Collection method: clinical testing. Allele origin: germline.

PreventionGenetics, part of Exact Sciences
Classification: Uncertain significance for SALL4-related condition. Last evaluated: 2023-12-01. Review status: no assertion criteria provided. Collection method: clinical testing. Allele origin: germline. Not counted in ClinVar's aggregate classification.
Comment: The SALL4 c.3098C>T variant is predicted to result in the amino acid substitution p.Thr1033Ile. To our knowledge, this variant has not been reported in the literature. This variant is reported in 0.0028% of alleles in individuals of Latino descent in gnomAD. At this time, the clinical significance of this variant is uncertain due to the absence of conclusive functional and genetic evidence.